The following is an entry in ClinVar:

ClinVar aggregate classification (germline): Uncertain significance (1 of 4 stars; one submission).

Conditions:
Perlman syndrome (PRLMNS). Identifiers: Orphanet 2849, MedGen C0796113, MONDO:0009965, OMIM 267000.

Submission:

Labcorp Genetics (formerly Invitae), Labcorp
Classification: Uncertain significance for Perlman syndrome. Last evaluated: 2018-06-23. Review status: criteria provided, single submitter. Criteria: Invitae Variant Classification Sherloc (09022015). Collection method: clinical testing. Allele origin: germline.
Comment: In summary, the available evidence is currently insufficient to determine the role of this variant in disease. Therefore, it has been classified as a Variant of Uncertain Significance. Algorithms developed to predict the effect of missense changes on protein structure and function (SIFT, PolyPhen-2, Align-GVGD) all suggest that this variant is likely to be tolerated, but these predictions have not been confirmed by published functional studies and their clinical significance is uncertain. This variant has not been reported in the literature in individuals with DIS3L2-related disease. This variant is not present in population databases (ExAC no frequency). This sequence change replaces cysteine with tyrosine at codon 196 of the DIS3L2 protein (p.Cys196Tyr). The cysteine residue is weakly conserved and there is a large physicochemical difference between cysteine and tyrosine.

NM_152383.5(DIS3L2):c.587G>A (p.Cys196Tyr)

Gene: DIS3L2 (DIS3 like 3'-5' exoribonuclease 2; plus strand). Cytogenetic location: 2q37.1.
Variant type: single nucleotide variant.
Coding change: c.587G>A on transcript NM_152383.5 (MANE Select); coding-DNA position 587, G replaced by A.
Protein change: p.Cys196Tyr; replaces cysteine 196 with tyrosine.
Molecular consequence: missense variant. On other transcripts: non-coding transcript variant (2).
Genome position (GRCh38, 1-based): chr2:232,087,707, G>A. VCF-style: chr2-232087707-G-A. GRCh37 (hg19) VCF-style: chr2-232952417-G-A.
Other names: c.587G>A, p.Cys196Tyr (NM_001257282.2, NM_001257281.2); short protein forms C196Y.
Identifiers: ClinVar variation 573265 (VCV000573265.8), dbSNP rs1559615449, ClinGen allele CA351155305.
Genomic context (GRCh38, chr2:232,087,707, plus strand): 5'-AAGATGGACATGGCATCACACAAAATGTGCTGGTTGATGGTGTTAAGAAACTCTCAGTTT[G>A]TGTTTCTGAGAAAGGTGAGTACTAGACTATTGTCTTACTTTTTTTTTAAGTACACTGATT-3'
Protein context (NP_689596.4, residues 186-206): LVDGVKKLSV[Cys196Tyr]VSEKGREDGD